The following is an entry in ClinVar:

NM_054012.4(ASS1):c.1127+15C>T

Gene: ASS1 (argininosuccinate synthase 1; plus strand). Cytogenetic location: 9q34.11.
Variant type: single nucleotide variant.
Coding change: c.1127+15C>T on transcript NM_054012.4 (MANE Select); 15 bases into the intron after coding-DNA position 1127, C replaced by T.
Molecular consequence: intron variant.
Genome position (GRCh38, 1-based): chr9:130,495,038, C>T. VCF-style: chr9-130495038-C-T. GRCh37 (hg19) VCF-style: chr9-133370425-C-T.
Other names: c.1127+15C>T (NM_000050.4).
Identifiers: ClinVar variation 390685 (VCV000390685.4), dbSNP rs1057523862, ClinGen allele CA16605386.
Genomic context (GRCh38, chr9:130,495,038, plus strand): 5'-TCGGCCGGGAGTCCCCACTGTCTCTCTACAATGAGGAGCTGGTGAGGTAGGTGCCCCACA[C>T]CTCATTCTGACCCCCACTTGGGCACAGAGCCTATCTTTTGACTGGATCCTCAAGACATCT-3'

ClinVar aggregate classification (germline): Likely benign. Review status: criteria provided, multiple submitters, no conflicts (2 of 4 stars). 2 submissions from 2 submitters: Likely benign (2). Last evaluated 2025-11-25.

Conditions:
Citrullinemia. Identifiers: Orphanet 187, MedGen C0175683, MONDO:0015991.

Allele frequency attached by ClinVar (database versions not stated): TOPMed 0.00001; gnomAD 0.00002.
gnomAD v4.1: 26 of 1,602,912 alleles (0.0016%); highest among the groups gnomAD compares: East Asian, 0.014%; no homozygotes.

Submissions (2):

Labcorp Genetics (formerly Invitae), Labcorp
Classification: Likely benign for Citrullinemia. Last evaluated: 2025-11-25. Review status: criteria provided, single submitter. Criteria: Invitae Variant Classification Sherloc (09022015). Collection method: clinical testing. Allele origin: germline.

GeneDx
Classification: Likely benign. Last evaluated: 2016-11-14. Review status: criteria provided, single submitter. Criteria: GeneDx Variant Classification (06012015). Collection method: clinical testing. Allele origin: germline. Affected: yes.
Comment: This variant is considered likely benign or benign based on one or more of the following criteria: it is a conservative change, it occurs at a poorly conserved position in the protein, it is predicted to be benign by multiple in silico algorithms, and/or has population frequency not consistent with disease.